The following is an entry in ClinVar:

ClinVar aggregate classification (germline): Likely benign (1 of 4 stars; one submission).

Conditions:
Usher syndrome type 3. Also called: Usher Syndrome, Type III. Identifiers: Orphanet 231183, MedGen C1568248, MONDO:0016485.

Allele frequency attached by ClinVar (database versions not stated): gnomAD 0.00007 and 0.00033; TOPMed 0.00009; gnomAD exomes 0.00085 and 0.00130; 1000 Genomes Project 30x 0.00156; 1000 Genomes Project 0.00160; ExAC 0.01148.

Submission:

Illumina Laboratory Services, Illumina
Classification: Likely benign for Usher syndrome type 3A. Last evaluated: 2018-01-12. Review status: criteria provided, single submitter. Criteria: ICSL Variant Classification Criteria 13 December 2019. Collection method: clinical testing. Allele origin: germline.
Comment: This variant was observed in the ICSL laboratory as part of a predisposition screen in an ostensibly healthy population. It had not been previously curated by ICSL or reported in the Human Gene Mutation Database (HGMD: prior to June 1st, 2018), and was therefore a candidate for classification through an automated scoring system. Utilizing variant allele frequency, disease prevalence and penetrance estimates, and inheritance mode, an automated score was calculated to assess if this variant is too frequent to cause the disease. Based on the score and internal cut-off values, a variant classified as likely benign is not then subjected to further curation. The score for this variant resulted in a classification of likely benign for this disease.

NM_174878.3(CLRN1):c.*1330T>C

Gene: CLRN1 (clarin 1; minus strand). Cytogenetic location: 3q25.1.
Variant type: single nucleotide variant.
Coding change: c.*1330T>C on transcript NM_174878.3 (MANE Select); 1330 bases downstream of the stop codon, T replaced by C.
Molecular consequence: 3 prime UTR variant. On other transcripts: non-coding transcript variant (1).
Genome position (GRCh38, 1-based): chr3:150,926,606, A>G on the plus strand (T>C on the coding strand, the complement: CLRN1 is on the minus strand). VCF-style: chr3-150926606-A-G. GRCh37 (hg19) VCF-style: chr3-150644393-A-G.
Other names: c.*1330T>C (NM_001195794.1); c.*1643T>C (NM_001256819.2); c.*246T>C (NM_052995.2).
Identifiers: ClinVar variation 343796 (VCV000343796.5), dbSNP rs374292166, ClinGen allele CA2665851.